The following is an entry in ClinVar:

NM_000238.4(KCNH2):c.2326C>T (p.Leu776Phe)

Gene: KCNH2 (potassium voltage-gated channel subfamily H member 2; minus strand). Cytogenetic location: 7q36.1.
Variant type: single nucleotide variant.
Coding change: c.2326C>T on transcript NM_000238.4 (MANE Select); coding-DNA position 2326, C replaced by T.
Protein change: p.Leu776Phe; replaces leucine 776 with phenylalanine.
Molecular consequence: missense variant.
Genome position (GRCh38, 1-based): chr7:150,950,240, G>A on the plus strand (C>T on the coding strand, the complement: KCNH2 is on the minus strand). VCF-style: chr7-150950240-G-A. GRCh37 (hg19) VCF-style: chr7-150647328-G-A.
Other names: p.L776F:CTC>TTC; c.1306C>T, p.Leu436Phe (NM_001204798.2, NM_172057.3); c.2038C>T, p.Leu680Phe (NM_001406753.1, NM_001406756.1); c.2149C>T, p.Leu717Phe (NM_001406755.1); c.2026C>T, p.Leu676Phe (NM_001406757.1); c.2326C>T, p.Leu776Phe (NM_172056.3); short protein forms L436F, L776F, L680F, L676F, L717F.
Identifiers: ClinVar variation 200425 (VCV000200425.4), dbSNP rs771674303, ClinGen allele CA006448.
Genomic context (GRCh38, chr7:150,950,240, plus strand): 5'-CGACGACGTCGCCCCGCAGGATCTCGATGGAGCCCCGGGAGATGAAGTACAGGGCGGTGA[G>A]CAGGTCCCCAGCATGCACCAGTGTGTCCCCTGGCGGTGCATGTGTGGTCTTGAACTTCAT-3'
Protein context (NP_000229.1, residues 766-786): GDTLVHAGDL[Leu776Phe]TALYFISRGS

ClinVar aggregate classification (germline): Likely pathogenic (1 of 4 stars; one submission).

Submission:

GeneDx
Classification: Likely pathogenic. Last evaluated: 2012-09-17. Review status: criteria provided, single submitter. Criteria: GeneDx Variant Classification (06012015). Collection method: clinical testing. Allele origin: germline. Affected: yes.
Comment: p.Leu776Phe (CTC>TTC):c.2326 C>T in exon 9 of the KCNH2 gene (NM_000238.2). The Leu776Phe variant in the KCNH2 gene has not been reported as a disease-causing mutation or as a benign polymorphism to our knowledge. Leu776Phe results in a conservative amino acid substitution of one non-polar residue for another at a position that is conserved across species. In silico analysis predicts Leu776Phe is probably damaging to the protein structure/function. Mutations in nearby residues (Val770Ala, Asp774Tyr) have been reported in association with LQTS, further supporting the functional importance of this region of the protein. Furthermore, the NHLBI ESP Exome Variant Server reports Leu776Phe was not observed in approximately 6,500 samples from individuals of European and African American backgrounds, indicating it is not a common benign variant in these populations.In summary, while Leu776Phe is a good candidate for a disease-causing mutation, with the clinical and molecular information available at this time we cannot unequivocally determine the clinical significance of this variant. The variant is found in LQT panel(s).